The following is an entry in ClinVar:

NM_001353921.2(ARHGEF9):c.1115G>A (p.Arg372His)

Gene: ARHGEF9 (Cdc42 guanine nucleotide exchange factor 9; minus strand). Cytogenetic location: Xq11.1.
Variant type: single nucleotide variant.
Coding change: c.1115G>A on transcript NM_001353921.2 (MANE Select); coding-DNA position 1115, G replaced by A.
Protein change: p.Arg372His; replaces arginine 372 with histidine.
Molecular consequence: missense variant. On other transcripts: intron variant (2).
Genome position (GRCh38, 1-based): chrX:63,655,700, C>T on the plus strand (G>A on the coding strand, the complement: ARHGEF9 is on the minus strand). VCF-style: chrX-63655700-C-T. GRCh37 (hg19) VCF-style: chrX-62875580-C-T.
Other names: c.935G>A, p.Arg312His (NM_001173479.2); c.788G>A, p.Arg263His (NM_001173480.2, NM_001369042.1); c.1031G>A, p.Arg344His (NM_001330495.2, NM_001369033.1, NM_001369034.1 and 4 more transcripts); c.983G>A, p.Arg328His (NM_001353922.2); c.1133G>A, p.Arg378His (NM_001353923.1); c.914G>A, p.Arg305His (NM_001353924.2, NM_001353926.2, NM_001369039.1 and 1 more transcripts); c.899G>A, p.Arg300His (NM_001353927.2, NM_001369041.1); c.962G>A, p.Arg321His (NM_001353928.2); and 3 more; short protein forms R183H, R263H, R300H, R305H, R312H, R321H, R328H, R344H.
Identifiers: ClinVar variation 985917 (VCV000985917.17), dbSNP rs2048831313, ClinGen allele CA413404759.

ClinVar aggregate classification (germline): Conflicting classifications of pathogenicity. Review status: criteria provided, conflicting classifications (1 of 4 stars). 4 submissions from 4 submitters: Pathogenic (2); Likely pathogenic (1); Uncertain significance (1). Last evaluated 2026-08-18.

Conditions:
Inborn genetic diseases. Identifiers: MedGen C0950123, MeSH D030342.
Developmental and epileptic encephalopathy, 8 (DEE8). Also called: HYPEREKPLEXIA AND EPILEPSY. Identifiers: Orphanet 163985, Orphanet 2076, MedGen C1845102, MONDO:0010375, OMIM 300607.
Developmental and epileptic encephalopathy, 1 (DEE1). Also called: INFANTILE SPASM SYNDROME, X-LINKED 1; Epileptic encephalopathy, early infantile, 1; X-linked infantile spasms; West's syndrome; Tonic spasms with clustering, arrest of psychomotor development and hypsarrhythmia on EEG; X-Linked Infantile Spasm Syndrome. Identifiers: MedGen C3463992, MONDO:0010632, OMIM 308350. Disease mechanism: loss of function.

Submissions (4):

GeneDx
Classification: Likely pathogenic. Last evaluated: 2026-08-18. Review status: criteria provided, single submitter. Criteria: GeneDx Variant Classification Process June 2021. Collection method: clinical testing. Allele origin: germline.
Comment: Not observed at significant frequency in large population cohorts (gnomAD); In silico analysis supports that this missense variant has a deleterious effect on protein structure/function; This variant is associated with the following publications: (PMID: 35638461)

Labcorp Genetics (formerly Invitae), Labcorp
Classification: Pathogenic for Developmental and epileptic encephalopathy, 8. Last evaluated: 2025-07-07. Review status: criteria provided, single submitter. Criteria: Invitae Variant Classification Sherloc (09022015). Collection method: clinical testing. Allele origin: germline.
Comment: This sequence change replaces arginine, which is basic and polar, with histidine, which is basic and polar, at codon 365 of the ARHGEF9 protein (p.Arg365His). This variant is not present in population databases (gnomAD no frequency). This missense change has been observed in individual(s) with developmental and epileptic encephalopathy (PMID: 35638461; internal data). In at least one individual the variant was observed to be de novo. ClinVar contains an entry for this variant (Variation ID: 985917). Invitae Evidence Modeling of protein sequence and biophysical properties (such as structural, functional, and spatial information, amino acid conservation, physicochemical variation, residue mobility, and thermodynamic stability) indicates that this missense variant is expected to disrupt ARHGEF9 protein function with a positive predictive value of 95%. For these reasons, this variant has been classified as Pathogenic.

Ambry Genetics
Classification: Pathogenic for Inborn genetic diseases. Last evaluated: 2025-01-17. Review status: criteria provided, single submitter. Criteria: Ambry Variant Classification Scheme 2023. Collection method: clinical testing. Allele origin: germline.
Comment: The c.1094G>A (p.R365H) alteration is located in coding exon 8 of the ARHGEF9 gene. This alteration results from a G to A substitution at nucleotide position 1094, causing the arginine (R) at amino acid position 365 to be replaced by a histidine (H). This variant was not reported in population-based cohorts in the Genome Aggregation Database (gnomAD). This variant was reported in individual(s) with features consistent with ARHGEF9-related neurodevelopmental disorder; in at least one individual, it was determined to be de novo (Yang, 2022; Ambry internal data). This amino acid position is highly conserved in available vertebrate species. This alteration is predicted to be deleterious by in silico analysis. Based on the available evidence, this alteration is classified as pathogenic.

Blueprint Genetics
Classification: Uncertain significance. Last evaluated: 2021-10-25. Review status: criteria provided, single submitter. Criteria: ACMG Guidelines, 2015. Collection method: clinical testing. Allele origin: germline.

Literature cited by the submitters: PubMed 35638461 (cited by Labcorp Genetics (formerly Invitae), Labcorp and Ambry Genetics).